The following is an entry in ClinVar:

NM_020778.5(ALPK3):c.1925A>G (p.Asp642Gly)

Gene: ALPK3 (alpha kinase 3; plus strand). Cytogenetic location: 15q25.3.
Variant type: single nucleotide variant.
Coding change: c.1925A>G on transcript NM_020778.5 (MANE Select); coding-DNA position 1925, A replaced by G.
Protein change: p.Asp642Gly; replaces aspartic acid 642 with glycine.
Molecular consequence: missense variant.
Genome position (GRCh38, 1-based): chr15:84,856,663, A>G. VCF-style: chr15-84856663-A-G. GRCh37 (hg19) VCF-style: chr15-85399894-A-G.
Other names: short protein forms D642G.
Identifiers: ClinVar variation 3227458 (VCV003227458.3), dbSNP rs1963865262, ClinGen allele CA393355270.
Genomic context (GRCh38, chr15:84,856,663, plus strand): 5'-CCAGGGGAGATGGAACACAGACAGCCCAGAGGACACGTGCAGATAGGAAGACGCAGGTGG[A>G]TGCTGGGACACAAGAAAGCAAGAGGCCACAGTCAGACAGGAGTGCACAGAAGGGCATGAT-3'
Protein context (NP_065829.4, residues 632-652): RTRADRKTQV[Asp642Gly]AGTQESKRPQ

ClinVar aggregate classification (germline): Uncertain significance. Review status: criteria provided, multiple submitters, no conflicts (2 of 4 stars). 2 submissions from 2 submitters: Uncertain significance (2). Last evaluated 2024-07-12.

Conditions:
Cardiovascular phenotype. Identifiers: MedGen CN230736.

Allele frequency attached by ClinVar (database versions not stated): gnomAD exomes 0.00001.
gnomAD v4.1: 13 of 1,614,114 alleles (0.00081%); highest among the groups gnomAD compares: East Asian, 0.0022%; no homozygotes.

Submissions (2):

Labcorp Genetics (formerly Invitae), Labcorp
Classification: Uncertain significance. Last evaluated: 2024-07-12. Review status: criteria provided, single submitter. Criteria: Invitae Variant Classification Sherloc (09022015). Collection method: clinical testing. Allele origin: germline.
Comment: This sequence change replaces aspartic acid, which is acidic and polar, with glycine, which is neutral and non-polar, at codon 844 of the ALPK3 protein (p.Asp844Gly). This variant is not present in population databases (gnomAD no frequency). This variant has not been reported in the literature in individuals affected with ALPK3-related conditions. An algorithm developed to predict the effect of missense changes on protein structure and function (PolyPhen-2) suggests that this variant is likely to be tolerated. Algorithms developed to predict the effect of sequence changes on RNA splicing suggest that this variant may create or strengthen a splice site. In summary, the available evidence is currently insufficient to determine the role of this variant in disease. Therefore, it has been classified as a Variant of Uncertain Significance.

Ambry Genetics
Classification: Uncertain significance for Cardiovascular phenotype. Last evaluated: 2023-09-29. Review status: criteria provided, single submitter. Criteria: Ambry Variant Classification Scheme 2023. Collection method: clinical testing. Allele origin: germline.
Comment: The p.D844G variant (also known as c.2531A>G), located in coding exon 6 of the ALPK3 gene, results from an A to G substitution at nucleotide position 2531. The aspartic acid at codon 844 is replaced by glycine, an amino acid with similar properties. This amino acid position is not well conserved in available vertebrate species. In addition, this alteration is predicted to be tolerated by in silico analysis. Since supporting evidence is limited at this time, the clinical significance of this alteration remains unclear.